The following is an entry in ClinVar:

NM_138694.4(PKHD1):c.8110T>A (p.Ser2704Thr)

Gene: PKHD1 (PKHD1 ciliary IPT domain containing fibrocystin/polyductin; minus strand). Cytogenetic location: 6p12.2.
Variant type: single nucleotide variant.
Coding change: c.8110T>A on transcript NM_138694.4 (MANE Select); coding-DNA position 8110, T replaced by A.
Protein change: p.Ser2704Thr; replaces serine 2704 with threonine.
Molecular consequence: missense variant.
Genome position (GRCh38, 1-based): chr6:51,836,467, A>T on the plus strand (T>A on the coding strand, the complement: PKHD1 is on the minus strand). VCF-style: chr6-51836467-A-T. GRCh37 (hg19) VCF-style: chr6-51701265-A-T.
Other names: c.8110T>A, p.Ser2704Thr (NM_170724.3); short protein forms S2704T.
Identifiers: ClinVar variation 1948473 (VCV001948473.5), dbSNP rs2535487232, ClinGen allele CA364426231.

ClinVar aggregate classification (germline): Uncertain significance (1 of 4 stars; one submission).

Conditions:
Autosomal recessive polycystic kidney disease (ARPKD). Also called: AR polycystic kidney disease. Identifiers: Orphanet 731, Orphanet 8378, MedGen C0085548, MeSH D017044, MONDO:0009889.

gnomAD v4.1: 2 of 1,610,706 alleles (0.00012%); no homozygotes.

Submission:

Labcorp Genetics (formerly Invitae), Labcorp
Classification: Uncertain significance for Autosomal recessive polycystic kidney disease. Last evaluated: 2022-08-06. Review status: criteria provided, single submitter. Criteria: Invitae Variant Classification Sherloc (09022015). Collection method: clinical testing. Allele origin: germline.
Comment: In summary, the available evidence is currently insufficient to determine the role of this variant in disease. Therefore, it has been classified as a Variant of Uncertain Significance. Algorithms developed to predict the effect of missense changes on protein structure and function (SIFT, PolyPhen-2, Align-GVGD) all suggest that this variant is likely to be tolerated. This variant has not been reported in the literature in individuals affected with PKHD1-related conditions. This variant is not present in population databases (gnomAD no frequency). This sequence change replaces serine, which is neutral and polar, with threonine, which is neutral and polar, at codon 2704 of the PKHD1 protein (p.Ser2704Thr).